The following is an entry in ClinVar:

NM_152564.5(VPS13B):c.2583C>A (p.Cys861Ter)

Gene: VPS13B (vacuolar protein sorting 13 homolog B; plus strand). Cytogenetic location: 8q22.2.
Variant type: single nucleotide variant.
Coding change: c.2583C>A on transcript NM_152564.5 (MANE Select); coding-DNA position 2583, C replaced by A.
Protein change: p.Cys861Ter; replaces cysteine 861 with a stop codon.
Molecular consequence: nonsense.
Genome position (GRCh38, 1-based): chr8:99,274,265, C>A. VCF-style: chr8-99274265-C-A. GRCh37 (hg19) VCF-style: chr8-100286493-C-A.
Other names: c.2583C>A, p.Cys861Ter (NM_017890.5); short protein forms C861*.
Identifiers: ClinVar variation 1421127 (VCV001421127.6), dbSNP rs199868590, ClinGen allele CA371862235.

ClinVar aggregate classification (germline): Pathogenic (1 of 4 stars; one submission).

Conditions:
Cohen syndrome (COH1). Also called: Cutis verticis gyrata, retinitis pigmentosa, and sensorineural deafness; PEPPER SYNDROME. Identifiers: Orphanet 193, MedGen C0265223, MONDO:0008999, OMIM 216550.

Submission:

Labcorp Genetics (formerly Invitae), Labcorp
Classification: Pathogenic for Cohen syndrome. Last evaluated: 2021-03-02. Review status: criteria provided, single submitter. Criteria: Invitae Variant Classification Sherloc (09022015). Collection method: clinical testing. Allele origin: germline.
Comment: This sequence change creates a premature translational stop signal (p.Cys861*) in the VPS13B gene. It is expected to result in an absent or disrupted protein product. Loss-of-function variants in VPS13B are known to be pathogenic (PMID: 15141358, 16648375, 20461111). This variant is not present in population databases (ExAC no frequency). This variant has not been reported in the literature in individuals with VPS13B-related conditions. For these reasons, this variant has been classified as Pathogenic.

Literature cited by the submitters: PubMed 15141358; PubMed 16648375; PubMed 20461111.